The following is an entry in ClinVar:

NM_004990.4(MARS1):c.1447C>A (p.Arg483Ser)

Gene: MARS1 (methionyl-tRNA synthetase 1; plus strand). Cytogenetic location: 12q13.3.
Variant type: single nucleotide variant.
Coding change: c.1447C>A on transcript NM_004990.4 (MANE Select); coding-DNA position 1447, C replaced by A.
Protein change: p.Arg483Ser; replaces arginine 483 with serine.
Molecular consequence: missense variant.
Genome position (GRCh38, 1-based): chr12:57,511,776, C>A. VCF-style: chr12-57511776-C-A. GRCh37 (hg19) VCF-style: chr12-57905559-C-A.
Other names: short protein forms R483S.
Identifiers: ClinVar variation 4794498 (VCV004794498.1).
Genomic context (GRCh38, chr12:57,511,776, plus strand): 5'-GAGTGGTTGGGGAGGACATTGCCTGGCAGTGACTGGACACCCAATGCCCAGTTTATCACC[C>A]GTTCTTGGCTTCGGGATGGCCTCAAGCCACGCTGCATAACCCGAGACCTCAAATGGGGAA-3'
Protein context (NP_004981.2, residues 473-493): DWTPNAQFIT[Arg483Ser]SWLRDGLKPR

ClinVar aggregate classification (germline): Uncertain significance (1 of 4 stars; one submission).

Conditions:
Charcot-Marie-Tooth disease axonal type 2U. Also called: CHARCOT-MARIE-TOOTH NEUROPATHY, TYPE 2U; CHARCOT-MARIE-TOOTH DISEASE, AXONAL, AUTOSOMAL DOMINANT, TYPE 2U. Identifiers: Orphanet 397735, MedGen C4084821, MONDO:0014566, OMIM 616280.
Severe early-onset pulmonary alveolar proteinosis due to MARS deficiency. Also called: PULMONARY ALVEOLAR PROTEINOSIS, REUNION ISLAND; Interstitial lung and liver disease. Identifiers: Orphanet 440427, MedGen C4225400, MONDO:0014206, OMIM 615486.

Submission:

Labcorp Genetics (formerly Invitae), Labcorp
Classification: Uncertain significance for Charcot-Marie-Tooth disease axonal type 2U; Severe early-onset pulmonary alveolar proteinosis due to MARS deficiency. Last evaluated: 2025-04-29. Review status: criteria provided, single submitter. Criteria: Invitae Variant Classification Sherloc (09022015). Collection method: clinical testing. Allele origin: germline.
Comment: This sequence change replaces arginine, which is basic and polar, with serine, which is neutral and polar, at codon 483 of the MARS protein (p.Arg483Ser). This variant is not present in population databases (gnomAD no frequency). This variant has not been reported in the literature in individuals affected with MARS-related conditions. An algorithm developed to predict the effect of missense changes on protein structure and function (PolyPhen-2) suggests that this variant is likely to be tolerated. In summary, the available evidence is currently insufficient to determine the role of this variant in disease. Therefore, it has been classified as a Variant of Uncertain Significance.